The following is an entry in ClinVar:

ClinVar aggregate classification (germline): Uncertain significance. Review status: criteria provided, multiple submitters, no conflicts (2 of 4 stars). 2 submissions from 2 submitters: Uncertain significance (2). Last evaluated 2024-04-04.

Conditions:
Hereditary cancer-predisposing syndrome. Also called: Neoplastic Syndromes, Hereditary; Tumor predisposition; Hereditary Cancer Syndrome; Hereditary neoplastic syndrome. Identifiers: Orphanet 140162, MedGen C0027672, MeSH D009386, MONDO:0015356.
Familial ovarian cancer. Identifiers: MedGen C5679802, MONDO:0016248.

Submissions (2):

Molecular Pathology, Peter Maccallum Cancer Centre
Classification: Uncertain significance for Familial ovarian cancer. Last evaluated: 2024-04-04. Review status: criteria provided, single submitter. Criteria: ACMG Guidelines, 2015. Collection method: clinical testing. Allele origin: germline. Inheritance: Autosomal dominant inheritance.

Color Diagnostics, LLC DBA Color Health
Classification: Uncertain significance for Hereditary cancer-predisposing syndrome. Last evaluated: 2024-03-06. Review status: criteria provided, single submitter. Criteria: ACMG Guidelines, 2015. Collection method: clinical testing. Allele origin: germline.
Comment: This missense variant replaces serine with proline at codon 885 of the BRIP1 protein. Computational prediction is inconclusive regarding the impact of this variant on protein structure and function (internally defined REVEL score threshold 0.5 < inconclusive < 0.7, PMID: 27666373). To our knowledge, functional studies have not been reported for this variant. This variant has not been reported in individuals affected with hereditary cancer in the literature. This variant has not been identified in the general population by the Genome Aggregation Database (gnomAD). The available evidence is insufficient to determine the role of this variant in disease conclusively. Therefore, this variant is classified as a Variant of Uncertain Significance.

NM_032043.3(BRIP1):c.2653T>C (p.Ser885Pro)

Gene: BRIP1 (BRCA1 interacting DNA helicase 1; minus strand). Cytogenetic location: 17q23.2.
Variant type: single nucleotide variant.
Coding change: c.2653T>C on transcript NM_032043.3 (MANE Select); coding-DNA position 2653, T replaced by C.
Protein change: p.Ser885Pro; replaces serine 885 with proline.
Molecular consequence: missense variant.
Genome position (GRCh38, 1-based): chr17:61,686,088, A>G on the plus strand (T>C on the coding strand, the complement: BRIP1 is on the minus strand). VCF-style: chr17-61686088-A-G. GRCh37 (hg19) VCF-style: chr17-59763449-A-G.
Other names: short protein forms S885P.
Identifiers: ClinVar variation 2774991 (VCV002774991.3), dbSNP rs2144116284, ClinGen allele CA400481855.